The following is an entry in ClinVar:

ClinVar aggregate classification (germline): Conflicting classifications of pathogenicity. Review status: criteria provided, conflicting classifications (1 of 4 stars). 2 submissions from 2 submitters: Uncertain significance (1); Likely benign (1). Last evaluated 2026-05-27.

Conditions:
BAP1-related tumor predisposition syndrome (TPDS1). Also called: TUMOR PREDISPOSITION SYNDROME 1; BAP1 tumor predisposition syndrome; COMMON Syndrome; Tumor susceptibility linked to germline BAP1 mutations. Identifiers: Orphanet 289539, MedGen C3280492, MONDO:0013692, OMIM 614327.
Hereditary cancer-predisposing syndrome. Also called: Hereditary neoplastic syndrome; Neoplastic Syndromes, Hereditary; Tumor predisposition; Hereditary Cancer Syndrome. Identifiers: Orphanet 140162, MedGen C0027672, MeSH D009386, MONDO:0015356.

Allele frequency attached by ClinVar (database versions not stated): gnomAD exomes below 0.00001.
gnomAD v4.1: 1 of 1,614,204 alleles (0.000062%); highest among the groups gnomAD compares: South Asian, 0.0011%; no homozygotes.

Submissions (2):

Ambry Genetics
Classification: Likely benign for Hereditary cancer-predisposing syndrome. Last evaluated: 2026-05-27. Review status: criteria provided, single submitter. Criteria: Ambry Variant Classification Scheme 2023. Collection method: clinical testing. Allele origin: germline.

Labcorp Genetics (formerly Invitae), Labcorp
Classification: Uncertain significance for BAP1-related tumor predisposition syndrome. Last evaluated: 2025-05-09. Review status: criteria provided, single submitter. Criteria: Invitae Variant Classification Sherloc (09022015). Collection method: clinical testing. Allele origin: germline.
Comment: This sequence change replaces isoleucine, which is neutral and non-polar, with phenylalanine, which is neutral and non-polar, at codon 675 of the BAP1 protein (p.Ile675Phe). This variant is present in population databases (no rsID available, gnomAD 0.003%). This variant has not been reported in the literature in individuals affected with BAP1-related conditions. ClinVar contains an entry for this variant (Variation ID: 2956971). Invitae Evidence Modeling of protein sequence and biophysical properties (such as structural, functional, and spatial information, amino acid conservation, physicochemical variation, residue mobility, and thermodynamic stability) indicates that this missense variant is expected to disrupt BAP1 protein function with a positive predictive value of 80%. In summary, the available evidence is currently insufficient to determine the role of this variant in disease. Therefore, it has been classified as a Variant of Uncertain Significance.

Literature cited by the submitters: PubMed 38969833 (cited by Ambry Genetics).

NM_004656.4(BAP1):c.2023A>T (p.Ile675Phe)

Gene: BAP1 (BRCA1 associated deubiquitinase 1; minus strand). Cytogenetic location: 3p21.1.
Variant type: single nucleotide variant.
Coding change: c.2023A>T on transcript NM_004656.4 (MANE Select); coding-DNA position 2023, A replaced by T.
Protein change: p.Ile675Phe; replaces isoleucine 675 with phenylalanine.
Molecular consequence: missense variant.
Genome position (GRCh38, 1-based): chr3:52,402,635, T>A on the plus strand (A>T on the coding strand, the complement: BAP1 is on the minus strand). VCF-style: chr3-52402635-T-A. GRCh37 (hg19) VCF-style: chr3-52436651-T-A.
Other names: c.1969A>T, p.Ile657Phe (NM_001410772.1); short protein forms I675F, I657F.
Identifiers: ClinVar variation 2956971 (VCV002956971.4), dbSNP rs1250373530, ClinGen allele CA353096240.